The following is an entry in ClinVar:

NM_001999.4(FBN2):c.6145G>C (p.Val2049Leu)

Gene: FBN2 (fibrillin 2; minus strand). Cytogenetic location: 5q23.3.
Variant type: single nucleotide variant.
Coding change: c.6145G>C on transcript NM_001999.4 (MANE Select); coding-DNA position 6145, G replaced by C.
Protein change: p.Val2049Leu; replaces valine 2049 with leucine.
Molecular consequence: missense variant.
Genome position (GRCh38, 1-based): chr5:128,300,838, C>G on the plus strand (G>C on the coding strand, the complement: FBN2 is on the minus strand). VCF-style: chr5-128300838-C-G. GRCh37 (hg19) VCF-style: chr5-127636530-C-G.
Other names: short protein forms V2049L.
Identifiers: ClinVar variation 1751856 (VCV001751856.2), dbSNP rs751605021, ClinGen allele CA3394493.
Genomic context (GRCh38, chr5:128,300,838, plus strand): 5'-TGAACTACTAGTGGGCCTCAGAATAAATGTTACTCTTACCAATGCAGTTCTCGCTTTTTA[C>G]TTCATACCCTGGGGGACAGATGCATCTGAAGGATCCCTCCAAATTCTGACAGGTACCAGG-3'
Protein context (NP_001990.2, residues 2039-2059): FRCICPPGYE[Val2049Leu]KSENCIDINE

ClinVar aggregate classification (germline): Uncertain significance (1 of 4 stars; one submission).

Conditions:
Familial thoracic aortic aneurysm and aortic dissection (TAAD). Also called: Thoracic aortic aneurysms and dissections. Identifiers: Orphanet 91387, MedGen C4707243, MONDO:0019625.

Allele frequency attached by ClinVar (database versions not stated): gnomAD exomes below 0.00001; ExAC 0.00001; gnomAD 0.00001; TOPMed 0.00002.
gnomAD v4.1: 3 of 1,613,896 alleles (0.00019%); highest among the groups gnomAD compares: African/African-American, 0.004%; no homozygotes.

Submission:

Ambry Genetics
Classification: Uncertain significance for Familial thoracic aortic aneurysm and aortic dissection. Last evaluated: 2020-08-25. Review status: criteria provided, single submitter. Criteria: Ambry Variant Classification Scheme 2023. Collection method: clinical testing. Allele origin: germline.
Comment: The p.V2049L variant (also known as c.6145G>C), located in coding exon 48 of the FBN2 gene, results from a G to C substitution at nucleotide position 6145. The valine at codon 2049 is replaced by leucine, an amino acid with highly similar properties. This amino acid position is well conserved in available vertebrate species; however, leucine is the reference amino acid in other vertebrate species. In addition, the in silico prediction for this alteration is inconclusive. Since supporting evidence is limited at this time, the clinical significance of this alteration remains unclear.